The following is an entry in ClinVar:

ClinVar aggregate classification (germline): Pathogenic. Review status: criteria provided, multiple submitters, no conflicts (2 of 4 stars). 3 submissions from 3 submitters: Pathogenic (3). Last evaluated 2024-12-02.

Conditions:
Marfan syndrome (MFS). Also called: MARFAN SYNDROME, TYPE I; Marfan syndrome type 1; Marfan's syndrome; Marfan syndrome, classic; FBN1-Related Marfan Syndrome. Identifiers: Orphanet 284963, Orphanet 558, MedGen C0024796, MONDO:0007947, OMIM 154700.
Familial thoracic aortic aneurysm and aortic dissection (TAAD). Also called: Thoracic aortic aneurysms and dissections. Identifiers: Orphanet 91387, MedGen C4707243, MONDO:0019625.

Submissions (3):

GeneDx
Classification: Pathogenic. Last evaluated: 2024-12-02. Review status: criteria provided, single submitter. Criteria: GeneDx Variant Classification Process June 2021. Collection method: clinical testing. Allele origin: germline. Affected: yes.
Comment: Not observed at significant frequency in large population cohorts (gnomAD); Frameshift variant predicted to result in protein truncation or nonsense mediated decay in a gene for which loss of function is a known mechanism of disease; This variant is associated with the following publications: (PMID: 25656438)

ARUP Laboratories, Molecular Genetics and Genomics, ARUP Laboratories
Classification: Pathogenic. Last evaluated: 2024-08-01. Review status: criteria provided, single submitter. Criteria: ARUP Molecular Germline Variant Investigation Process 2024. Collection method: clinical testing. Allele origin: germline.
Comment: The FBN1 c.1526del; p.Gly509ValfsTer70 variant (ClinVar Variation ID: 2925573) is reported in the literature in an individual affected with Marfan syndrome (Haine 2015). This variant is absent from the Genome Aggregation Database (v2.1.1), indicating it is not a common polymorphism. This variant causes a frameshift by deleting a single nucleotide, so it is predicted to result in a truncated protein or mRNA subject to nonsense-mediated decay. Based on available information, this variant is considered to be pathogenic. References: Haine E et al. Muscle and Bone Impairment in Children With Marfan Syndrome: Correlation With Age and FBN1 Genotype. J Bone Miner Res. 2015 Aug;30(8):1369-76. Epub 2015 May 14. PMID: 25656438.

Labcorp Genetics (formerly Invitae), Labcorp
Classification: Pathogenic for Marfan syndrome; Familial thoracic aortic aneurysm and aortic dissection. Last evaluated: 2023-11-07. Review status: criteria provided, single submitter. Criteria: Invitae Variant Classification Sherloc (09022015). Collection method: clinical testing. Allele origin: germline.
Comment: This sequence change creates a premature translational stop signal (p.Gly509Valfs*70) in the FBN1 gene. It is expected to result in an absent or disrupted protein product. Loss-of-function variants in FBN1 are known to be pathogenic (PMID: 17657824, 19293843). This variant is not present in population databases (gnomAD no frequency). This premature translational stop signal has been observed in individual(s) with Marfan syndrome (PMID: 25656438). For these reasons, this variant has been classified as Pathogenic.

Literature cited by the submitters: PubMed 17657824 (cited by Labcorp Genetics (formerly Invitae), Labcorp); PubMed 19293843 (cited by Labcorp Genetics (formerly Invitae), Labcorp); PubMed 25656438 (cited by Labcorp Genetics (formerly Invitae), Labcorp).

NM_000138.5(FBN1):c.1526del (p.Gly509fs)

Gene: FBN1 (fibrillin 1; minus strand). Cytogenetic location: 15q21.1.
Variant type: Deletion.
Coding change: c.1526del on transcript NM_000138.5 (MANE Select); coding-DNA position 1526, one base deleted (G; older notation c.1526delG).
Protein change: p.Gly509fs; shifts the reading frame from glycine 509.
Molecular consequence: frameshift variant.
Genome position (GRCh38, 1-based): chr15:48,513,611, C deleted on the plus strand (G on the coding strand, the reverse complement: FBN1 is on the minus strand); the first of 3 consecutive C bases (chr15:48,513,611-48,513,613); deleting any one gives the same sequence. VCF-style (leftmost placement, unchanged base first): chr15-48513610-AC-A. GRCh37 (hg19) VCF-style: chr15-48805807-AC-A.
Other names: c.1526del (NM_000138.4); c.1524delG, p.Gly509Valfs (NM_000138.4); c.1526del, p.Gly509fs (NM_001406716.1); short protein forms G509fs.
Identifiers: ClinVar variation 2925573 (VCV002925573.5), dbSNP rs2505613838, ClinGen allele CA2695220367.
Genomic context (GRCh38, chr15:48,513,610, plus strand): 5'-TCGGCATTCTGTCCGCGTGAGTGTGCTCTGATATCCAGCTCGGCACTGACAGGTGTACGA[AC>A]CCTGGTTGTTAATACACTCACCACCAGCACAGGGGTTTTTCTCACATTCATCAACATCTG-3'